The following is an entry in ClinVar:

ClinVar aggregate classification (germline): Likely pathogenic (1 of 4 stars; one submission).

Conditions:
Very long chain acyl-CoA dehydrogenase deficiency (ACADVLD). Also called: Very Long-Chain Acyl-Coenzyme A Dehydrogenase Deficiency; VLCAD Deficiency. Identifiers: Orphanet 26793, MedGen C3887523, MONDO:0008723, OMIM 201475.

Submission:

Natera, Inc.
Classification: Likely pathogenic for Very long chain acyl-CoA dehydrogenase deficiency. Last evaluated: 2025-02-14. Review status: criteria provided, single submitter. Criteria: Natera Variant Classification Schema (03/2026). Collection method: clinical testing. Allele origin: germline.
Comment: The c.841_843delinsCC variant in ACADVL is a frameshift variant predicted to shift the reading frame beginning at codon 281 and leads to a stop codon 72 codons downstream. This variant is expected to result in nonsense mediated decay, truncation, or a dysfunctional protein product. This variant is rare in the general population with a frequency below the threshold expected for the associated phenotype(s). Given the available evidence, this variant is classified as Likely Pathogenic.

NM_000018.4(ACADVL):c.841_843delinsCC (p.Ala281fs)

Gene: ACADVL (acyl-CoA dehydrogenase very long chain; plus strand). Cytogenetic location: 17p13.1.
Variant type: Indel.
Coding change: c.841_843delinsCC on transcript NM_000018.4 (MANE Select); coding-DNA positions 841 to 843, GCT replaced by CC.
Protein change: p.Ala281fs; shifts the reading frame from alanine 281.
Molecular consequence: frameshift variant.
Genome position (GRCh38, 1-based): chr17:7,222,265-7,222,267, GCT replaced by CC. VCF-style: chr17-7222265-GCT-CC. GRCh37 (hg19) VCF-style: chr17-7125584-GCT-CC.
Other names: c.775_777delinsCC, p.Ala259fs (NM_001033859.3); c.910_912delinsCC, p.Ala304fs (NM_001270447.2); c.613_615delinsCC, p.Ala205fs (NM_001270448.2); short protein forms A205fs, A259fs, A281fs, A304fs.
Identifiers: ClinVar variation 4817495 (VCV004817495.1).